The following is an entry in ClinVar:

ClinVar aggregate classification (germline): Uncertain significance (1 of 4 stars; one submission).

Conditions:
Autosomal recessive limb-girdle muscular dystrophy type 2P. Also called: Limb-Girdle Muscular Dystrophy Type 9C; MUSCULAR DYSTROPHY, LIMB-GIRDLE, TYPE 2P; MUSCULAR DYSTROPHY-DYSTROGLYCANOPATHY, LIMB-GIRDLE, DAG1-RELATED. Identifiers: Orphanet 280333, MedGen C4511963, MONDO:0013440, OMIM 613818.
Muscular dystrophy-dystroglycanopathy (congenital with brain and eye anomalies), type A9. Also called: WALKER-WARBURG SYNDROME OR MUSCLE-EYE BRAIN DISEASE, DAG1-RELATED; Muscular dystrophy-dystroglycanopathy (congenital with brain and eye anomalies), type a, 9. Identifiers: Orphanet 370997, Orphanet 899, MedGen C4225291, MONDO:0014683, OMIM 616538.

Allele frequency attached by ClinVar (database versions not stated): gnomAD exomes 0.00001; ExAC 0.00002; gnomAD 0.00003; TOPMed 0.00003.
gnomAD v4.1: 20 of 1,614,112 alleles (0.0012%); highest among the groups gnomAD compares: African/African-American, 0.0027%; no homozygotes.

Submission:

Labcorp Genetics (formerly Invitae), Labcorp
Classification: Uncertain significance for Autosomal recessive limb-girdle muscular dystrophy type 2P; Muscular dystrophy-dystroglycanopathy (congenital with brain and eye anomalies), type A9. Last evaluated: 2021-06-02. Review status: criteria provided, single submitter. Criteria: Invitae Variant Classification Sherloc (09022015). Collection method: clinical testing. Allele origin: germline.
Comment: This sequence change replaces threonine with isoleucine at codon 646 of the DAG1 protein (p.Thr646Ile). The threonine residue is moderately conserved and there is a moderate physicochemical difference between threonine and isoleucine. This variant is present in population databases (rs745546522, ExAC 0.003%). This variant has not been reported in the literature in individuals with DAG1-related conditions. Algorithms developed to predict the effect of missense changes on protein structure and function are either unavailable or do not agree on the potential impact of this missense change (SIFT: "Deleterious"; PolyPhen-2: "Probably Damaging"; Align-GVGD: "Class C0"). In summary, the available evidence is currently insufficient to determine the role of this variant in disease. Therefore, it has been classified as a Variant of Uncertain Significance.

NM_004393.6(DAG1):c.1937C>T (p.Thr646Ile)

Gene: DAG1 (dystroglycan 1; plus strand). Cytogenetic location: 3p21.31.
Variant type: single nucleotide variant.
Coding change: c.1937C>T on transcript NM_004393.6 (MANE Select); coding-DNA position 1937, C replaced by T.
Protein change: p.Thr646Ile; replaces threonine 646 with isoleucine.
Molecular consequence: missense variant.
Genome position (GRCh38, 1-based): chr3:49,532,448, C>T. VCF-style: chr3-49532448-C-T. GRCh37 (hg19) VCF-style: chr3-49569881-C-T.
Other names: c.1937C>T, p.Thr646Ile (NM_001165928.4, NM_001177634.3, NM_001177635.3 and 9 more transcripts); short protein forms T646I.
Identifiers: ClinVar variation 1496859 (VCV001496859.7), dbSNP rs745546522, ClinGen allele CA2399176.
Genomic context (GRCh38, chr3:49,532,448, plus strand): 5'-AGATTGCCTTGGTAAAGAAACTGGCCTTCGCCTTTGGAGACCGAAACTGTAGCACCATCA[C>T]CCTGCAGAATATCACCCGGGGCTCCATCGTGGTGGAATGGACCAACAACACACTGCCCTT-3'
Protein context (NP_004384.5, residues 636-656): AFGDRNCSTI[Thr646Ile]LQNITRGSIV